The following is an entry in ClinVar:

NM_003128.3(SPTBN1):c.4109A>G (p.Gln1370Arg)

Gene: SPTBN1 (spectrin beta, non-erythrocytic 1; plus strand). Cytogenetic location: 2p16.2.
Variant type: single nucleotide variant.
Coding change: c.4109A>G on transcript NM_003128.3 (MANE Select); coding-DNA position 4109, A replaced by G.
Protein change: p.Gln1370Arg; replaces glutamine 1370 with arginine.
Molecular consequence: missense variant.
Genome position (GRCh38, 1-based): chr2:54,644,426, A>G. VCF-style: chr2-54644426-A-G. GRCh37 (hg19) VCF-style: chr2-54871563-A-G.
Other names: c.4070A>G, p.Gln1357Arg (NM_178313.3); short protein forms Q1357R, Q1370R.
Identifiers: ClinVar variation 4536398 (VCV004536398.1).
Genomic context (GRCh38, chr2:54,644,426, plus strand): 5'-TGGTGAAGGAGAAACTCACTGGTTTACATAAAATGTGGGAAGTCCTTGAATCCACTACCC[A>G]GACAAAGGCCCAGCGGCTCTTTGATGCAAACAAGGCCGAACTTTTCACCCAGAGCTGTGC-3'
Protein context (NP_003119.2, residues 1360-1380): KMWEVLESTT[Gln1370Arg]TKAQRLFDAN

ClinVar aggregate classification (germline): Uncertain significance (1 of 4 stars; one submission).

gnomAD v4.1: 1 of 1,614,276 alleles (0.000062%); highest among the groups gnomAD compares: Non-Finnish European, 0.000085%; no homozygotes.

Submission:

GeneDx
Classification: Uncertain significance. Last evaluated: 2025-05-30. Review status: criteria provided, single submitter. Criteria: GeneDx Variant Classification Process June 2021. Collection method: clinical testing. Allele origin: germline. Affected: yes.
Comment: Not observed at significant frequency in large population cohorts (gnomAD); In silico analysis suggests that this missense variant does not alter protein structure/function; Has not been previously published as pathogenic or benign to our knowledge